The following is an entry in ClinVar:

NM_002693.3(POLG):c.3456C>G (p.Ala1152=)

Gene: POLG (DNA polymerase gamma, catalytic subunit; minus strand). Cytogenetic location: 15q26.1.
Variant type: single nucleotide variant.
Coding change: c.3456C>G on transcript NM_002693.3 (MANE Select); coding-DNA position 3456, C replaced by G.
Protein change: p.Ala1152=; no amino-acid change (alanine 1152 retained).
Molecular consequence: synonymous variant.
Genome position (GRCh38, 1-based): chr15:89,318,567, G>C on the plus strand (C>G on the coding strand, the complement: POLG is on the minus strand). VCF-style: chr15-89318567-G-C. GRCh37 (hg19) VCF-style: chr15-89861798-G-C.
Other names: c.3456C>G, p.Ala1152= (NM_001126131.2).
Identifiers: ClinVar variation 619377 (VCV000619377.1), dbSNP rs1567185018, ClinGen allele CA10602275.

ClinVar aggregate classification (germline): Likely benign (1 of 4 stars; one submission).

Conditions:
Progressive sclerosing poliodystrophy (MTDPS4A). Also called: Alpers-Huttenlocher Syndrome (AHS); Alpers Syndrome; ALPERS PROGRESSIVE INFANTILE POLIODYSTROPHY; Mitochondrial DNA depletion syndrome 4A (Alpers type); ALPERS DIFFUSE DEGENERATION OF CEREBRAL GRAY MATTER WITH HEPATIC CIRRHOSIS; Alpers-Huttenlocher Syndrome. Identifiers: Orphanet 726, MedGen C0205710, MONDO:0008758, OMIM 203700.

Submission:

Wong Mito Lab, Molecular and Human Genetics, Baylor College of Medicine
Classification: Likely benign for Progressive sclerosing poliodystrophy. Last evaluated: 2018-10-01. Review status: criteria provided, single submitter. Criteria: ACMG Guidelines, 2015. Collection method: clinical testing. Allele origin: germline.
Comment: The NM_002693.2:c.3456C>G (NP_002684.1:p.Ala1152=) [GRCH38: NC_000015.10:g.89318567G>C] variant in POLG gene is interpretated to be a Likely Benign based on ACMG guidelines (PMID: 25741868). This variant meets the following evidence codes reported in the ACMG-guideline. BP4:Computational evidence/predictors indicate no impact on the POLG structure, function, or protein-protein interaction. BP7:The variant is silent with non predicted splice impact. Based on the evidence criteria codes applied, the variant is suggested to be Likely Benign.